The following is an entry in ClinVar:

NM_000038.6(APC):c.1744-5A>T

Gene: APC (APC regulator of Wnt signaling pathway; plus strand). Cytogenetic location: 5q22.2.
Variant type: single nucleotide variant.
Coding change: c.1744-5A>T on transcript NM_000038.6 (MANE Select); 5 bases into the intron before coding-DNA position 1744, A replaced by T.
Molecular consequence: intron variant.
Genome position (GRCh38, 1-based): chr5:112,834,946, A>T. VCF-style: chr5-112834946-A-T. GRCh37 (hg19) VCF-style: chr5-112170643-A-T.
Other names: c.1714-5A>T (NM_001407452.1); c.1357-5A>T (NM_001407469.1, NM_001407467.1); c.1828-5A>T (NM_001407446.1); c.1774-5A>T (NM_001354897.2); c.1471-5A>T (NM_001354902.2); c.1690-5A>T (NM_001127511.3); c.1798-5A>T (NM_001407448.1, NM_001407449.1, NM_001354896.2 and 1 more transcripts); c.1744-5A>T (NM_001407450.1, NM_001127510.3, NM_000038.5 and 1 more transcripts); and 11 more.
Identifiers: ClinVar variation 2974491 (VCV002974491.4), dbSNP rs2149840693, ClinGen allele CA2709977399.

ClinVar aggregate classification (germline): Conflicting classifications of pathogenicity. Review status: criteria provided, conflicting classifications (1 of 4 stars). 2 submissions from 2 submitters: Uncertain significance (1); Likely benign (1). Last evaluated 2024-07-18.

Conditions:
Familial adenomatous polyposis 1 (FAP1). Also called: FAMILIAL ADENOMATOUS POLYPOSIS 1, ATTENUATED; POLYPOSIS, ADENOMATOUS INTESTINAL. Identifiers: MedGen C2713442, MONDO:0021056, OMIM 175100. Disease mechanism: loss of function.
Hereditary cancer-predisposing syndrome. Also called: Neoplastic Syndromes, Hereditary; Hereditary neoplastic syndrome; Hereditary Cancer Syndrome; Tumor predisposition. Identifiers: Orphanet 140162, MedGen C0027672, MeSH D009386, MONDO:0015356.

Submissions (2):

Ambry Genetics
Classification: Uncertain significance for Hereditary cancer-predisposing syndrome. Last evaluated: 2024-07-18. Review status: criteria provided, single submitter. Criteria: Ambry Variant Classification Scheme 2023. Collection method: clinical testing. Allele origin: germline.
Comment: The c.1744-5A>T intronic variant results from an A to T substitution 5 nucleotides upstream from coding exon 14 in the APC gene. This nucleotide position is not well conserved in available vertebrate species. In silico splice site analysis predicts that this alteration will not have any significant effect on splicing. Based on the available evidence, the clinical significance of this variant remains unclear.

Labcorp Genetics (formerly Invitae), Labcorp
Classification: Likely benign for Familial adenomatous polyposis 1. Last evaluated: 2023-06-30. Review status: criteria provided, single submitter. Criteria: Invitae Variant Classification Sherloc (09022015). Collection method: clinical testing. Allele origin: germline.